The following is an entry in ClinVar:

ClinVar aggregate classification (germline): Uncertain significance (1 of 4 stars; one submission).

gnomAD v4.1: 57 of 1,611,594 alleles (0.0035%); highest among the groups gnomAD compares: Admixed American, 0.075%; no homozygotes.

Submission:

Labcorp Genetics (formerly Invitae), Labcorp
Classification: Uncertain significance. Last evaluated: 2024-05-09. Review status: criteria provided, single submitter. Criteria: Invitae Variant Classification Sherloc (09022015). Collection method: clinical testing. Allele origin: germline.
Comment: This sequence change replaces aspartic acid, which is acidic and polar, with asparagine, which is neutral and polar, at codon 427 of the EPHA4 protein (p.Asp427Asn). This variant is present in population databases (rs764751712, gnomAD 0.03%). This variant has not been reported in the literature in individuals affected with EPHA4-related conditions. Advanced modeling of protein sequence and biophysical properties (such as structural, functional, and spatial information, amino acid conservation, physicochemical variation, residue mobility, and thermodynamic stability) performed at Invitae indicates that this missense variant is not expected to disrupt EPHA4 protein function with a negative predictive value of 80%. In summary, the available evidence is currently insufficient to determine the role of this variant in disease. Therefore, it has been classified as a Variant of Uncertain Significance.

NM_004438.5(EPHA4):c.1279G>A (p.Asp427Asn)

Gene: EPHA4 (EPH receptor A4; minus strand). Cytogenetic location: 2q36.1.
Variant type: single nucleotide variant.
Coding change: c.1279G>A on transcript NM_004438.5 (MANE Select); coding-DNA position 1279, G replaced by A.
Protein change: p.Asp427Asn; replaces aspartic acid 427 with asparagine.
Molecular consequence: missense variant.
Genome position (GRCh38, 1-based): chr2:221,482,391, C>T on the plus strand (G>A on the coding strand, the complement: EPHA4 is on the minus strand). VCF-style: chr2-221482391-C-T. GRCh37 (hg19) VCF-style: chr2-222347111-C-T.
Other names: c.1279G>A, p.Asp427Asn (NM_001304536.2, NM_001363748.2); c.1126G>A, p.Asp376Asn (NM_001304537.2); short protein forms D376N, D427N.
Identifiers: ClinVar variation 3611163 (VCV003611163.2).
Genomic context (GRCh38, chr2:221,482,391, plus strand): 5'-TAAAGTAGATTCAATTCCTACCTGCTTGGTTGGTGGTCACAGTGACAGAAACTGATTGGT[C>T]TGGGTTAGGGTTATATTTGGACACTCCATTCACAGCCCAGATTTCAAAGGTGTAATTGGT-3'
Protein context (NP_004429.1, residues 417-437): NGVSKYNPNP[Asp427Asn]QSVSVTVTTN